The following is an entry in ClinVar:

ClinVar aggregate classification (germline): Uncertain significance. Review status: criteria provided, multiple submitters, no conflicts (2 of 4 stars). 2 submissions from 2 submitters: Uncertain significance (2). Last evaluated 2023-12-07.

Conditions:
Inborn genetic diseases. Identifiers: MedGen C0950123, MeSH D030342.

Allele frequency attached by ClinVar (database versions not stated): gnomAD exomes 0.00001; TOPMed 0.00001; ExAC 0.00003.

Submissions (2):

Ambry Genetics
Classification: Uncertain significance for Inborn genetic diseases. Last evaluated: 2023-12-07. Review status: criteria provided, single submitter. Criteria: Ambry Variant Classification Scheme 2023. Collection method: clinical testing. Allele origin: germline.

Labcorp Genetics (formerly Invitae), Labcorp
Classification: Uncertain significance. Last evaluated: 2022-03-23. Review status: criteria provided, single submitter. Criteria: Invitae Variant Classification Sherloc (09022015). Collection method: clinical testing. Allele origin: germline.
Comment: This sequence change replaces glutamic acid, which is acidic and polar, with lysine, which is basic and polar, at codon 273 of the RBP3 protein (p.Glu273Lys). This variant is present in population databases (rs782731903, gnomAD 0.01%). This variant has not been reported in the literature in individuals affected with RBP3-related conditions. Algorithms developed to predict the effect of missense changes on protein structure and function (SIFT, PolyPhen-2, Align-GVGD) all suggest that this variant is likely to be tolerated. In summary, the available evidence is currently insufficient to determine the role of this variant in disease. Therefore, it has been classified as a Variant of Uncertain Significance.

NM_002900.3(RBP3):c.817G>A (p.Glu273Lys)

Gene: RBP3 (retinol binding protein 3; plus strand). Cytogenetic location: 10q11.22.
Variant type: single nucleotide variant.
Coding change: c.817G>A on transcript NM_002900.3 (MANE Select); coding-DNA position 817, G replaced by A.
Protein change: p.Glu273Lys; replaces glutamic acid 273 with lysine.
Molecular consequence: missense variant.
Genome position (GRCh38, 1-based): chr10:47,349,301, G>A. VCF-style: chr10-47349301-G-A. GRCh37 (hg19) VCF-style: chr10-48390061-C-T.
Other names: c.817G>A (NM_002900.2); short protein forms E273K.
Identifiers: ClinVar variation 1944715 (VCV001944715.3), dbSNP rs782731903, ClinGen allele CA5487684.